The following is an entry in ClinVar:

ClinVar aggregate classification (germline): Conflicting classifications of pathogenicity. Review status: criteria provided, conflicting classifications (1 of 4 stars). 2 submissions from 2 submitters: Uncertain significance (1); Likely benign (1). Last evaluated 2026-04-14.

Conditions:
Inborn genetic diseases. Identifiers: MedGen C0950123, MeSH D030342.

gnomAD v4.1: 14 of 1,614,042 alleles (0.00087%); highest among the groups gnomAD compares: African/African-American, 0.019%; no homozygotes.

Submissions (2):

GeneDx
Classification: Uncertain significance. Last evaluated: 2026-04-14. Review status: criteria provided, single submitter. Criteria: GeneDx Variant Classification Process June 2021. Collection method: clinical testing. Allele origin: germline.
Comment: In silico analysis suggests that this missense variant does not alter protein structure/function; Has not been previously published as pathogenic or benign to our knowledge

Ambry Genetics
Classification: Likely benign for Inborn genetic diseases. Last evaluated: 2024-09-09. Review status: criteria provided, single submitter. Criteria: Ambry Variant Classification Scheme 2023. Collection method: clinical testing. Allele origin: germline.

NM_018060.4(IARS2):c.2490A>G (p.Ile830Met)

Gene: IARS2 (isoleucyl-tRNA synthetase 2, mitochondrial; plus strand). Cytogenetic location: 1q41.
Variant type: single nucleotide variant.
Coding change: c.2490A>G on transcript NM_018060.4 (MANE Select); coding-DNA position 2490, A replaced by G.
Protein change: p.Ile830Met; replaces isoleucine 830 with methionine.
Molecular consequence: missense variant.
Genome position (GRCh38, 1-based): chr1:220,141,878, A>G. VCF-style: chr1-220141878-A-G. GRCh37 (hg19) VCF-style: chr1-220315220-A-G.
Other names: short protein forms I830M.
Identifiers: ClinVar variation 3527334 (VCV003527334.2).